The following is an entry in ClinVar:

ClinVar aggregate classification (germline): Uncertain significance (1 of 4 stars; one submission).

gnomAD v4.1: 2 of 1,209,793 alleles (0.00017%); highest among the groups gnomAD compares: African/African-American, 0.0035%; no homozygotes.

Submission:

Labcorp Genetics (formerly Invitae), Labcorp
Classification: Uncertain significance. Last evaluated: 2025-03-07. Review status: criteria provided, single submitter. Criteria: Invitae Variant Classification Sherloc (09022015). Collection method: clinical testing. Allele origin: germline.
Comment: This sequence change replaces leucine, which is neutral and non-polar, with proline, which is neutral and non-polar, at codon 454 of the SH3KBP1 protein (p.Leu454Pro). This variant is not present in population databases (gnomAD no frequency). This variant has not been reported in the literature in individuals affected with SH3KBP1-related conditions. Invitae Evidence Modeling of protein sequence and biophysical properties (such as structural, functional, and spatial information, amino acid conservation, physicochemical variation, residue mobility, and thermodynamic stability) indicates that this missense variant is not expected to disrupt SH3KBP1 protein function with a negative predictive value of 80%. In summary, the available evidence is currently insufficient to determine the role of this variant in disease. Therefore, it has been classified as a Variant of Uncertain Significance.

NM_031892.3(SH3KBP1):c.1361T>C (p.Leu454Pro)

Gene: SH3KBP1 (SH3 domain containing kinase binding protein 1; minus strand). Cytogenetic location: Xp22.12.
Variant type: single nucleotide variant.
Coding change: c.1361T>C on transcript NM_031892.3 (MANE Select); coding-DNA position 1361, T replaced by C.
Protein change: p.Leu454Pro; replaces leucine 454 with proline.
Molecular consequence: missense variant.
Genome position (GRCh38, 1-based): chrX:19,569,126, A>G on the plus strand (T>C on the coding strand, the complement: SH3KBP1 is on the minus strand). VCF-style: chrX-19569126-A-G. GRCh37 (hg19) VCF-style: chrX-19587244-A-G.
Other names: c.1250T>C, p.Leu417Pro (NM_001024666.3); c.647T>C, p.Leu216Pro (NM_001184960.2, NM_001353897.2); c.1361T>C, p.Leu454Pro (NM_001353890.2); c.1436T>C, p.Leu479Pro (NM_001353891.2, NM_001353892.2); c.1259T>C, p.Leu420Pro (NM_001353893.2, NM_001353894.2); c.1316T>C, p.Leu439Pro (NM_001353895.2); c.1493T>C, p.Leu498Pro (NM_001410756.1, NM_001410757.1); c.1184T>C, p.Leu395Pro (NM_001410758.1); short protein forms L216P, L395P, L417P, L420P, L439P, L454P, L479P, L498P.
Identifiers: ClinVar variation 4808639 (VCV004808639.1).